The following is an entry in ClinVar:

NM_016578.4(RSF1):c.2765G>A (p.Arg922His)

Gene: RSF1 (remodeling and spacing factor 1; minus strand). Cytogenetic location: 11q14.1.
Variant type: single nucleotide variant.
Coding change: c.2765G>A on transcript NM_016578.4 (MANE Select); coding-DNA position 2765, G replaced by A.
Protein change: p.Arg922His; replaces arginine 922 with histidine.
Molecular consequence: missense variant.
Genome position (GRCh38, 1-based): chr11:77,693,562, C>T on the plus strand (G>A on the coding strand, the complement: RSF1 is on the minus strand). VCF-style: chr11-77693562-C-T. GRCh37 (hg19) VCF-style: chr11-77404607-C-T.
Other names: short protein forms R922H.
Identifiers: ClinVar variation 4528926 (VCV004528926.1).

ClinVar aggregate classification (germline): Uncertain significance (1 of 4 stars; one submission).

Conditions:
RSF1-related neurodevelopmental disorder.

Submission:

Equipe Genetique des Anomalies du Developpement, Université de Bourgogne
Classification: Uncertain significance for RSF1-related neurodevelopmental disorder. Last evaluated: 2025-11-10. Review status: criteria provided, single submitter. Criteria: ACMG Guidelines, 2015. Collection method: research. Allele origin: de novo. Affected: yes.
Comment: This is a heterozygous de novo missense variant NM_016578.4:c.2765G>A p.(Arg922His) in the gene RSF1 (chr11:g.77693562C>T, GRCh38). This variant is located within a functional domain and affects a highly conserved amino acid residue. It is absent from the database gnomAD (v4.1.0). In silico prediction metrics support a deleterious effect (CADD-Phred: 28.50; PolyPhen-2: 0.999; SIFT: 0.043). According to current evidence, this variant is classified as a variant of uncertain significance (class 3, according to ACMG criteria).